The following is an entry in ClinVar:

ClinVar aggregate classification (germline): Uncertain significance. Review status: criteria provided, multiple submitters, no conflicts (2 of 4 stars). 2 submissions from 2 submitters: Uncertain significance (2). Last evaluated 2021-12-29.

Conditions:
Neurofibromatosis, type 1 (NF1). Also called: Neurofibromatosis, type I; NEUROFIBROMATOSIS, TYPE I, SOMATIC; Peripheral type neurofibromatosis; VON RECKLINGHAUSEN DISEASE. Identifiers: Orphanet 636, MedGen C0027831, MONDO:0018975, OMIM 162200. Disease mechanism: loss of function.
Café-au-lait macules with pulmonary stenosis (WTSN). Also called: PULMONIC STENOSIS WITH CAFE-AU-LAIT SPOTS. Identifiers: MedGen C0553586, MONDO:0008672, OMIM 193520.
Juvenile myelomonocytic leukemia (JMML). Also called: LEUKEMIA, JUVENILE MYELOMONOCYTIC, SOMATIC. Identifiers: Orphanet 86834, MedGen C0349639, MONDO:0011908, OMIM 607785, HP:0012209.
Neurofibromatosis-Noonan syndrome (NFNS). Also called: NEUROFIBROMATOSIS WITH NOONAN PHENOTYPE. Identifiers: Orphanet 638, MedGen C2931482, MONDO:0011035, OMIM 601321. Disease mechanism: loss of function.
Neurofibromatosis, familial spinal (FSNF). Identifiers: Orphanet 636, MedGen C1834235, MONDO:0008078, OMIM 162210. Disease mechanism: loss of function.

Submissions (2):

Fulgent Genetics
Classification: Uncertain significance for Neurofibromatosis, type 1; Neurofibromatosis, familial spinal; Café-au-lait macules with pulmonary stenosis; Neurofibromatosis-Noonan syndrome; Juvenile myelomonocytic leukemia. Last evaluated: 2021-12-29. Review status: criteria provided, single submitter. Criteria: ACMG Guidelines, 2015. Collection method: clinical testing. Allele origin: unknown.

Labcorp Genetics (formerly Invitae), Labcorp
Classification: Uncertain significance for Neurofibromatosis, type 1. Last evaluated: 2021-05-08. Review status: criteria provided, single submitter. Criteria: Invitae Variant Classification Sherloc (09022015). Collection method: clinical testing. Allele origin: germline.
Comment: This sequence change replaces leucine with proline at codon 2441 of the NF1 protein (p.Leu2441Pro). The leucine residue is moderately conserved and there is a moderate physicochemical difference between leucine and proline. This variant is not present in population databases (ExAC no frequency) and has not been reported in the literature in individuals with a NF1-related disease. Algorithms developed to predict the effect of missense changes on protein structure and function do not agree on the potential impact of this missense change (SIFT: "Deleterious"; PolyPhen-2: "Benign"; Align-GVGD: "Class C0"). In summary, this variant is a novel missense change with uncertain impact on protein function. It has been classified as a Variant of Uncertain Significance.

NM_001042492.3(NF1):c.7385T>C (p.Leu2462Pro)

Gene: NF1 (neurofibromin 1; plus strand). Cytogenetic location: 17q11.2.
Variant type: single nucleotide variant.
Coding change: c.7385T>C on transcript NM_001042492.3 (MANE Select); coding-DNA position 7385, T replaced by C.
Protein change: p.Leu2462Pro; replaces leucine 2462 with proline.
Molecular consequence: missense variant.
Genome position (GRCh38, 1-based): chr17:31,350,246, T>C. VCF-style: chr17-31350246-T-C. GRCh37 (hg19) VCF-style: chr17-29677264-T-C.
Other names: c.7322T>C, p.Leu2441Pro (NM_000267.4); short protein forms L2462P, L2441P.
Identifiers: ClinVar variation 404497 (VCV000404497.6), dbSNP rs1060500302, ClinGen allele CA16615696.
Genomic context (GRCh38, chr17:31,350,246, plus strand): 5'-TACTTACAGTGTCTGAAGAAGTTCGAAGTCGCTGCAGCCTAAAACATAGAAAGTCACTTC[T>C]TCTTACTGATATTTCAATGGAAAATGTTCCTATGGATACATATCCCATTCATCATGGTGA-3'
Protein context (NP_001035957.1, residues 2452-2472): RCSLKHRKSL[Leu2462Pro]LTDISMENVP